The following is an entry in ClinVar:

NM_020247.5(COQ8A):c.589-3C>G

Gene: COQ8A (coenzyme Q8A; plus strand). Cytogenetic location: 1q42.13.
Variant type: single nucleotide variant.
Coding change: c.589-3C>G on transcript NM_020247.5 (MANE Select); 3 bases into the intron before coding-DNA position 589, C replaced by G.
Molecular consequence: intron variant.
Genome position (GRCh38, 1-based): chr1:226,965,668, C>G. VCF-style: chr1-226965668-C-G. GRCh37 (hg19) VCF-style: chr1-227153369-C-G.
Identifiers: ClinVar variation 1027504 (VCV001027504.6), dbSNP rs1229054489, ClinGen allele CA529181409.

ClinVar aggregate classification (germline): Pathogenic. Review status: criteria provided, multiple submitters, no conflicts (2 of 4 stars). 2 submissions from 2 submitters: Pathogenic (2). Last evaluated 2025-11-03.

Conditions:
Autosomal recessive ataxia due to ubiquinone deficiency. Also called: Coenzyme Q10 deficiency, primary, 4; SPINOCEREBELLAR ATAXIA, AUTOSOMAL RECESSIVE 9. Identifiers: Orphanet 139485, MedGen C2677589, MONDO:0012784, OMIM 612016.

Allele frequency attached by ClinVar (database versions not stated): TOPMed below 0.00001; gnomAD 0.00001; gnomAD exomes 0.00001.
gnomAD v4.1: 17 of 1,613,976 alleles (0.0011%); highest among the groups gnomAD compares: Non-Finnish European, 0.0014%; no homozygotes.

Submissions (2):

Labcorp Genetics (formerly Invitae), Labcorp
Classification: Pathogenic. Last evaluated: 2025-11-03. Review status: criteria provided, single submitter. Criteria: Invitae Variant Classification Sherloc (09022015). Collection method: clinical testing. Allele origin: germline.
Comment: This sequence change falls in intron 3 of the COQ8A gene. It does not directly change the encoded amino acid sequence of the COQ8A protein. It affects a nucleotide within the consensus splice site. This variant is present in population databases (no rsID available, gnomAD 0.007%). This variant has been observed in individuals with clinical features of primary coenzyme Q10 deficiency (PMID: 24164873, 31890231, 32337771). ClinVar contains an entry for this variant (Variation ID: 1027504). Variants that disrupt the consensus splice site are a relatively common cause of aberrant splicing (PMID: 17576681, 9536098). Algorithms developed to predict the effect of sequence changes on RNA splicing suggest that this variant may disrupt the consensus splice site. For these reasons, this variant has been classified as Pathogenic.

Molecular Medicine for Neurodegenerative and Neuromuscular Diseases Unit, IRCCS Fondazione Stella Maris
Classification: Pathogenic for Autosomal recessive ataxia due to ubiquinone deficiency. Last evaluated: 2021-01-04. Review status: criteria provided, single submitter. Criteria: ACMG Guidelines, 2015. Collection method: research. Allele origin: inherited. Affected: yes.

Literature cited by the submitters: PubMed 24164873 (cited by Labcorp Genetics (formerly Invitae), Labcorp); PubMed 31890231 (cited by Labcorp Genetics (formerly Invitae), Labcorp); PubMed 32337771 (cited by Labcorp Genetics (formerly Invitae), Labcorp); PubMed 17576681 (cited by Labcorp Genetics (formerly Invitae), Labcorp); PubMed 9536098 (cited by Labcorp Genetics (formerly Invitae), Labcorp).